The following is an entry in ClinVar:

ClinVar aggregate classification (germline): Benign/Likely benign. Review status: criteria provided, multiple submitters, no conflicts (2 of 4 stars). 2 submissions from 2 submitters: Benign (1); Likely benign (1). Last evaluated 2026-09-10.

Conditions:
SCYL1-related disorder. Also called: SCYL1-related condition.

Allele frequency attached by ClinVar (database versions not stated): gnomAD 0.00006 and 0.00009; gnomAD exomes 0.00008 and 0.00022; TOPMed 0.00012; ExAC 0.00024; 1000 Genomes Project 30x 0.00078; 1000 Genomes Project 0.00080.
gnomAD v4.1: 126 of 1,613,026 alleles (0.0078%); highest among the groups gnomAD compares: East Asian, 0.27%; no homozygotes.

Submissions (2):

PreventionGenetics, part of Exact Sciences
Classification: Likely benign for SCYL1-related condition. Last evaluated: 2026-09-10. Review status: criteria provided, single submitter. Criteria: ACMG Guidelines, 2015. Collection method: clinical testing. Allele origin: germline.
Comment: This variant is classified as likely benign based on ACMG/AMP sequence variant interpretation guidelines (Richards et al. 2015 PMID: 25741868, with internal and published modifications).

Labcorp Genetics (formerly Invitae), Labcorp
Classification: Benign. Last evaluated: 2026-01-12. Review status: criteria provided, single submitter. Criteria: Invitae Variant Classification Sherloc (09022015). Collection method: clinical testing. Allele origin: germline.

NM_020680.4(SCYL1):c.2070G>A (p.Glu690=)

Gene: SCYL1 (SCY1 like pseudokinase 1; plus strand). Cytogenetic location: 11q13.1.
Variant type: single nucleotide variant.
Coding change: c.2070G>A on transcript NM_020680.4 (MANE Select); coding-DNA position 2070, G replaced by A.
Protein change: p.Glu690=; no amino-acid change (glutamic acid 690 retained).
Molecular consequence: synonymous variant.
Genome position (GRCh38, 1-based): chr11:65,538,005, G>A. VCF-style: chr11-65538005-G-A. GRCh37 (hg19) VCF-style: chr11-65305476-G-A.
Other names: c.2019G>A, p.Glu673= (NM_001048218.2).
Identifiers: ClinVar variation 765150 (VCV000765150.7), dbSNP rs199514188, ClinGen allele CA6100047.